The following is an entry in ClinVar:

NM_000051.4(ATM):c.4148C>T (p.Ser1383Leu)

Gene: ATM (ATM serine/threonine kinase; plus strand). Cytogenetic location: 11q22.3.
Variant type: single nucleotide variant.
Coding change: c.4148C>T on transcript NM_000051.4 (MANE Select); coding-DNA position 4148, C replaced by T.
Protein change: p.Ser1383Leu; replaces serine 1383 with leucine.
Molecular consequence: missense variant.
Genome position (GRCh38, 1-based): chr11:108,289,015, C>T. VCF-style: chr11-108289015-C-T. GRCh37 (hg19) VCF-style: chr11-108159742-C-T.
Other names: p.S1383L:TCG>TTG; c.4148C>T, p.Ser1383Leu (NM_001351834.2); short protein forms S1383L.
Identifiers: ClinVar variation 127382 (VCV000127382.72), dbSNP rs141087784, ClinGen allele CA286831.
Genomic context (GRCh38, chr11:108,289,015, plus strand): 5'-TTTTTTCCCTTAACTCTGTTAGGGATTTGGATCCTGCTCCTAATCCACCTCATTTTCCAT[C>T]GCATGTGATTAAAGCAACATTTGCCTATATCAGCAATTGTCATAAAACCAAGTTAAAAAG-3'
Protein context (NP_000042.3, residues 1373-1393): DPAPNPPHFP[Ser1383Leu]HVIKATFAYI

ClinVar aggregate classification (germline): Conflicting classifications of pathogenicity. Review status: criteria provided, conflicting classifications (1 of 4 stars). 26 submissions from 26 submitters: Uncertain significance (16); Likely benign (3). 7 of the submissions do not count toward it. Last evaluated 2026-07-20.

Conditions:
ATM-related disorder. Also called: ATM-related disorders; ATM-related condition.
Ataxia-telangiectasia syndrome (AT). Also called: LOUIS-BAR SYNDROME; Cerebello-oculocutaneous telangiectasia; Immunodeficiency with ataxia telangiectasia; Ataxia-telangiectasia, complementation group D; Ataxia-telangiectasia, complementation group E; Ataxia telangiectasia (A-T). Identifiers: Orphanet 100, MedGen C0004135, MONDO:0008840, OMIM 208900.
Familial cancer of breast. Also called: hereditary breast carcinoma; Hereditary breast cancer; BREAST CANCER, FAMILIAL. Identifiers: Orphanet 227535, MedGen C0346153, MONDO:0016419, OMIM 114480. Disease mechanism: loss of function.
Hereditary cancer-predisposing syndrome. Also called: Neoplastic Syndromes, Hereditary; Tumor predisposition; Hereditary Cancer Syndrome; Hereditary neoplastic syndrome. Identifiers: Orphanet 140162, MedGen C0027672, MeSH D009386, MONDO:0015356.
Malignant tumor of breast. Also called: Cancer breast; Malignant breast neoplasm. Identifiers: MedGen C0006142, MONDO:0007254. Disease mechanism: loss of function.

Allele frequency attached by ClinVar (database versions not stated): ExAC 0.00004; gnomAD 0.00004; gnomAD exomes 0.00004 and 0.00005; TOPMed 0.00005; ESP Exome Variant Server 0.00015.
gnomAD v4.1: 78 of 1,613,348 alleles (0.0048%); highest among the groups gnomAD compares: Admixed American, 0.013%; no homozygotes.

Submissions 1 to 7 of 26:

GeneDx
Classification: Uncertain significance. Last evaluated: 2026-07-20. Review status: criteria provided, single submitter. Criteria: GeneDx Variant Classification Process June 2021. Collection method: clinical testing. Allele origin: germline.
Comment: Observed in individuals with breast or prostate cancer, but also in unaffected controls (PMID: 11505391, 14695186, 15101044, 19781682, 26976419, 28503720, 30306255, 31206626, 33436325, 33471991, 35467778, 35264596, 35534704, 35957908, 36315919); Not observed at significant frequency in large population cohorts (gnomAD); In silico analysis supports that this missense variant has a deleterious effect on protein structure/function; This variant is associated with the following publications: (PMID: 26689913, 26976419, 17333338, 14695186, 11505391, 21787400, 15101044, 20346647, 19683821, 26837699, 28503720, 28779002, 30306255, 29641532, 29483558, 19781682, 34426522, 33436325, 30441849, 33471991, 35264596, 30197789, 31206626, 34262154, 35467778, 37529773, 38874686, 35534704, 37536918, 35957908, 36315919)

PreventionGenetics, part of Exact Sciences
Classification: Uncertain significance for ATM-related condition. Last evaluated: 2026-02-03. Review status: criteria provided, single submitter. Criteria: ACMG Guidelines, 2015. Collection method: clinical testing. Allele origin: germline.
Comment: The ATM c.4148C>T variant is predicted to result in the amino acid substitution p.Ser1383Leu. This variant has been reported in individuals with a history of breast cancer (Table 1, Teraoka et al. 2001. PubMed ID: 11505391; Table S2, Tavtigian et al. 2009. PubMed ID: 19781682; Table A2, Tung et al. 2016. PubMed ID: 26976419; Table 1, Angèle et al. 2003. PubMed ID: 14695186), prostate cancer (reported as uncertain in Table S4, Karlsson et al. 2021. PubMed ID: 33436325), ovarian cancer (Koczkowska M et al. 2018. PubMed ID: 30441849), and chronic lymphocytic leukemia (Table S8, Nadeu et al. 2016. PubMed ID: 26837699), but without data regarding segregation of the variant in affected individuals. Furthermore, in at least one individual, an additional variant was identified in ATM (p.Asp1853Val) (Table A2, Tavtigian et al. 2009. PubMed ID: 19781682). This variant is reported in 0.0080% of alleles in individuals of African descent in gnomAD and has conflicting interpretations in ClinVar from uncertain significance to likely benign (Variation ID: 127382). At this time, the clinical significance of this variant is uncertain due to the absence of conclusive functional and genetic evidence.

Labcorp Genetics (formerly Invitae), Labcorp
Classification: Likely benign for Ataxia-telangiectasia syndrome. Last evaluated: 2026-02-01. Review status: criteria provided, single submitter. Criteria: Invitae Variant Classification Sherloc (09022015). Collection method: clinical testing. Allele origin: germline.

Genetic Services Laboratory, University of Chicago
Classification: Uncertain significance. Last evaluated: 2025-12-22. Review status: criteria provided, single submitter. Criteria: ACMG Guidelines, 2015. Collection method: clinical testing. Allele origin: germline.
Comment: The c.4148C>T variant: Results in an amino acid change, p.Ser1383Leu. Has been previously described in several individuals with breast, ovarian, prostate, lung and hematological cancers (PMID: 11505391, 19781682, 26976419, 14695186, 26837699, 26689913, 15101044). One of the reported breast cancer cases was also identified to have another sequence change in the ATM gene, p.Asp1853Val. Is reported in the gnomAD v4 database with a frequency of 0.013% in the Admixed American subpopulation (dbSNP rs141087784). Affects a highly conserved amino acid residue located in a domain of the ATM protein that is known to be functional. Appears to have contradictory results by in-silico pathogenicity prediction tools. Has been demonstrated by one functional study to increase the chromosomal radiosensitivity of a breast cancer cell line (PMID: 15101044). However, there is insufficient functional data to demonstrate a conclusive functional impact of this variant. ClinVar contains an entry for this variant (Variation ID: 127382) Due to insufficient evidence and the lack of conclusive functional studies, the clinical significance of the p.Ser1383Leu variant remains unknown at this time.

Women's Health and Genetics/Laboratory Corporation of America, LabCorp
Classification: Uncertain significance. Last evaluated: 2025-12-15. Review status: criteria provided, single submitter. Criteria: LabCorp Variant Classification Summary - May 2015. Collection method: clinical testing. Allele origin: germline.
Comment: Variant summary: ATM c.4148C>T (p.Ser1383Leu) results in a non-conservative amino acid change in the encoded protein sequence. Algorithms developed to predict the effect of missense changes on protein structure and function all suggest that this variant is likely to be disruptive. The variant allele was found at a frequency of 3.6e-05 in 251290 control chromosomes (gnomAD). The available data on variant occurrences in the general population are insufficient to allow any conclusion about variant significance. c.4148C>T has been reported in the literature in individuals affected with breast cancer (Teraoka_2001, Angele_2003, Guttierez-Enriquez_2004, Tavtigian_2009, Tung_2015, Rummel_2017, Weitzel_2019), ovarian cancer (Koczkowska_2018), HBOC families testing negative for BRCA1/2 (Bonache_2018), prostate cancer (Brady_2022), lung adenocarcinoma in the TGCA cohort (Lu_2015), and CLL (Nadeu_2016), but it was also found in controls (e.g. Dalmasso_2021). These reports do not provide unequivocal conclusions about association of the variant with Breast Cancer. In a recent large study evaluating breast cancer cases and controls in the Breast Cancer Association Consortium (BCAC), the variant was reported in 5/60466 cases and was found in 6/53461 controls (Dorling_2021 through LOVD). At-least one co-occurrence with another (likely) pathogenic variant in an individual undergoing testing due to a personal and family history of breast cancer has been reported at our laboratory (BRCA2 c.9256_9256+1delinsTA), providing supporting evidence for a benign role. One publication reports experimental evidence evaluating an impact on protein function, however, does not allow convincing conclusions about the variant effect (Gutierrez-Enriquez_2004). The following publications have been ascertained in the context of this evaluation (PMID: 14695186, 30197789, 30306255, 35467778, 34262154, 33471991, 15101044, 20346647, 34426522, 30441849, 26689913, 26837699, 28503720, 19781682, 11505391, 26976419, 31206626, 38697030). ClinVar contains an entry for this variant (Variation ID: 127382). Based on the evidence outlined above, the variant was classified as uncertain significance.

Color Diagnostics, LLC DBA Color Health
Classification: Uncertain significance for Hereditary cancer-predisposing syndrome. Last evaluated: 2025-11-25. Review status: criteria provided, single submitter. Criteria: ACMG Guidelines, 2015. Collection method: clinical testing. Allele origin: germline.
Comment: This missense variant replaces serine with leucine at codon 1383 of the ATM protein. Computational predictions are inconclusive regarding the impact of this variant on protein structure and function. To our knowledge, functional studies have not been reported for this variant. This variant has been reported in individuals affected with breast cancer (PMID: 11505391, 14695186, 15101044, 19781682, 20346647, 21787400, 26976419, 28503720, 35264596), prostate cancer (PMID: 35467778) lung adenocarcinoma (PMID: 26689913), or chronic lymphocytic leukemia (PMID: 26837699). This variant has been detected in a breast cancer case-control meta-analysis in 5/60466 cases and 6/53461 unaffected individuals (PMID: 33471991LOVD DB-ID ATM_000709). This variant has also been identified in 78/1613348 chromosomes in the general population by the Genome Aggregation Database (gnomAD). In summary, this is a variant of unknown impact on protein function that has been observed in affected individuals as well as in the general population. The available evidence is insufficient to determine the role of this variant in disease conclusively. Therefore, this variant is classified as a Variant of Uncertain Significance.

Athena Diagnostics
Classification: Uncertain significance. Last evaluated: 2025-08-26. Review status: criteria provided, single submitter. Criteria: Athena Diagnostics Criteria. Collection method: clinical testing. Allele origin: unknown.
Comment: Available data are insufficient to determine the clinical significance of the variant at this time. The frequency of this variant in the general population is uninformative in assessment of its pathogenicity. This variant is statistically more frequent in individuals with breast cancer than in the general population and/or healthy controls. Polyphen and MutationTaster predict this amino acid change may be damaging to the protein.